The following is an entry in ClinVar:

NM_007294.4(BRCA1):c.167A>G (p.Lys56Arg)

Gene: BRCA1 (BRCA1 DNA repair associated; minus strand). Cytogenetic location: 17q21.31.
Variant type: single nucleotide variant.
Coding change: c.167A>G on transcript NM_007294.4 (MANE Select); coding-DNA position 167, A replaced by G.
Protein change: p.Lys56Arg; replaces lysine 56 with arginine.
Molecular consequence: missense variant. On other transcripts: non-coding transcript variant (1).
Genome position (GRCh38, 1-based): chr17:43,106,501, T>C on the plus strand (A>G on the coding strand, the complement: BRCA1 is on the minus strand). VCF-style: chr17-43106501-T-C. GRCh37 (hg19) VCF-style: chr17-41258518-T-C.
Other names: c.-22A>G (NM_001407571.1, NM_001407853.1, NM_001407879.1 and 58 more transcripts); c.167A>G, p.Lys56Arg (NM_001407581.1, NM_001407582.1, NM_001407583.1 and 168 more transcripts); c.26A>G, p.Lys9Arg (NM_001407692.1, NM_001407694.1, NM_001407695.1 and 99 more transcripts); short protein forms K56R, K9R.
Identifiers: ClinVar variation 54324 (VCV000054324.4), dbSNP rs397508897, ClinGen allele CA001105.

ClinVar aggregate classification (germline): not provided (0 of 4 stars; one submission).

Conditions:
Familial cancer of breast. Also called: Hereditary breast cancer; hereditary breast carcinoma; BREAST CANCER, FAMILIAL. Identifiers: Orphanet 227535, MedGen C0346153, MONDO:0016419, OMIM 114480. Disease mechanism: loss of function.

Allele frequency attached by ClinVar (database versions not stated): gnomAD exomes below 0.00001.
gnomAD v4.1: 1 of 1,604,142 alleles (0.000062%); highest among the groups gnomAD compares: Non-Finnish European, 0.000085%; no homozygotes.

Submissions (2):

Brotman Baty Institute, University of Washington
No classification provided (evidence only). Condition: Breast-ovarian cancer, familial 1. Review status: no classification provided. Collection method: in vitro. Allele origin: not applicable. Functional consequence: functionally_normal. Not counted in ClinVar's aggregate classification.
ClinVar note: "not provided" was previously submitted as the classification for the variant. However, the classification appeared to be based only on an observation of functional data so it was converted to no classification on 2025-07-30.

ClinVar Staff, National Center for Biotechnology Information (NCBI)
No classification provided. Condition: Familial cancer of breast. Review status: no classification provided. Collection method: literature only. Allele origin: germline. Affected: yes.

Literature cited by the submitters: PubMed 10644434 (cited by ClinVar Staff, National Center for Biotechnology Information (NCBI)).